The following is an entry in ClinVar:

NM_001267550.2(TTN):c.42561A>C (p.Val14187=)

Gene: TTN (titin; minus strand). Cytogenetic location: 2q31.2.
Variant type: single nucleotide variant.
Coding change: c.42561A>C on transcript NM_001267550.2 (MANE Select); coding-DNA position 42561, A replaced by C.
Protein change: p.Val14187=; no amino-acid change (valine 14187 retained).
Molecular consequence: synonymous variant.
Genome position (GRCh38, 1-based): chr2:178,633,938, T>G on the plus strand (A>C on the coding strand, the complement: TTN is on the minus strand). VCF-style: chr2-178633938-T-G. GRCh37 (hg19) VCF-style: chr2-179498665-T-G.
Other names: c.37638A>C, p.Val12546= (NM_001256850.1); c.15366A>C, p.Val5122= (NM_003319.4); c.34857A>C, p.Val11619= (NM_133378.4); c.15741A>C, p.Val5247= (NM_133432.3); c.15942A>C, p.Val5314= (NM_133437.4).
Identifiers: ClinVar variation 382291 (VCV000382291.14), dbSNP rs1057521315, ClinGen allele CA16604018.

ClinVar aggregate classification (germline): Likely benign. Review status: criteria provided, multiple submitters, no conflicts (2 of 4 stars). 4 submissions from 4 submitters: Likely benign (4). Last evaluated 2022-02-12.

Conditions:
Dilated cardiomyopathy 1G (CMD1G). Identifiers: Orphanet 154, MedGen C1858763, MONDO:0011400, OMIM 604145.
Autosomal recessive limb-girdle muscular dystrophy type 2J (LGMDR10). Also called: Limb-girdle muscular dystrophy, type 2J; MUSCULAR DYSTROPHY, LIMB-GIRDLE, AUTOSOMAL RECESSIVE 10. Identifiers: Orphanet 140922, MedGen C1837342, MONDO:0012127, OMIM 608807.

Allele frequency attached by ClinVar (database versions not stated): gnomAD exomes below 0.00001 and 0.00001; gnomAD 0.00001; TOPMed 0.00001.
gnomAD v4.1: 18 of 1,613,228 alleles (0.0011%); highest among the groups gnomAD compares: Non-Finnish European, 0.0015%; no homozygotes.

Submissions (4):

Women's Health and Genetics/Laboratory Corporation of America, LabCorp
Classification: Likely benign. Last evaluated: 2022-02-12. Review status: criteria provided, single submitter. Criteria: LabCorp Variant Classification Summary - May 2015. Collection method: clinical testing. Allele origin: germline.

Blueprint Genetics
Classification: Likely benign. Last evaluated: 2020-06-05. Review status: criteria provided, single submitter. Criteria: ACMG Guidelines, 2015. Collection method: clinical testing. Allele origin: germline.

Labcorp Genetics (formerly Invitae), Labcorp
Classification: Likely benign for Dilated cardiomyopathy 1G; Autosomal recessive limb-girdle muscular dystrophy type 2J. Last evaluated: 2019-04-20. Review status: criteria provided, single submitter. Criteria: Invitae Variant Classification Sherloc (09022015). Collection method: clinical testing. Allele origin: germline.

GeneDx
Classification: Likely benign. Last evaluated: 2015-12-14. Review status: criteria provided, single submitter. Criteria: GeneDx Variant Classification (06012015). Collection method: clinical testing. Allele origin: germline. Affected: yes.
Comment: This variant is considered likely benign or benign based on one or more of the following criteria: it is a conservative change, it occurs at a poorly conserved position in the protein, it is predicted to be benign by multiple in silico algorithms, and/or has population frequency not consistent with disease.